The following is an entry in ClinVar:

ClinVar aggregate classification (germline): Uncertain significance (1 of 4 stars; one submission).

Submission:

Labcorp Genetics (formerly Invitae), Labcorp
Classification: Uncertain significance. Last evaluated: 2022-03-29. Review status: criteria provided, single submitter. Criteria: Invitae Variant Classification Sherloc (09022015). Collection method: clinical testing. Allele origin: germline.
Comment: This variant has not been reported in the literature in individuals affected with MAK-related conditions. In summary, the available evidence is currently insufficient to determine the role of this variant in disease. Therefore, it has been classified as a Variant of Uncertain Significance. Advanced modeling of protein sequence and biophysical properties (such as structural, functional, and spatial information, amino acid conservation, physicochemical variation, residue mobility, and thermodynamic stability) performed at Invitae indicates that this missense variant is not expected to disrupt MAK protein function. This variant is not present in population databases (gnomAD no frequency). This sequence change replaces methionine, which is neutral and non-polar, with valine, which is neutral and non-polar, at codon 106 of the MAK protein (p.Met106Val).

NM_001242957.3(MAK):c.316A>G (p.Met106Val)

Gene: MAK (male germ cell associated kinase; minus strand). Cytogenetic location: 6p24.2.
Variant type: single nucleotide variant.
Coding change: c.316A>G on transcript NM_001242957.3 (MANE Select); coding-DNA position 316, A replaced by G.
Protein change: p.Met106Val; replaces methionine 106 with valine.
Molecular consequence: missense variant. On other transcripts: non-coding transcript variant (2).
Genome position (GRCh38, 1-based): chr6:10,813,686, T>C on the plus strand (A>G on the coding strand, the complement: MAK is on the minus strand). VCF-style: chr6-10813686-T-C. GRCh37 (hg19) VCF-style: chr6-10813919-T-C.
Other names: c.316A>G, p.Met106Val (NM_001242385.2, NM_005906.6); c.214A>G, p.Met72Val (NM_001377262.1); short protein forms M72V, M106V.
Identifiers: ClinVar variation 1898243 (VCV001898243.5), dbSNP rs2532551071, ClinGen allele CA362721139.
Genomic context (GRCh38, chr6:10,813,686, plus strand): 5'-AACTTAAAAGAAACCTACCATGTTTATGGATAAAAGCCAGCCCTTGCAATATTTGATACA[T>C]AATATTTCTGATGACTGATTCAGGGAACAACTTGTTTCTGTAAAGAAATGAACAGTCACA-3'
Protein context (NP_001229886.1, residues 96-116): LFPESVIRNI[Met106Val]YQILQGLAFI